The following is an entry in ClinVar:

NM_003998.4(NFKB1):c.2593-1G>A

Gene: NFKB1 (nuclear factor kappa B subunit 1; plus strand). Cytogenetic location: 4q24.
Variant type: single nucleotide variant.
Coding change: c.2593-1G>A on transcript NM_003998.4 (MANE Select); the canonical splice acceptor site of the intron before coding-DNA position 2593, G replaced by A.
Molecular consequence: splice acceptor variant.
Genome position (GRCh38, 1-based): chr4:102,613,424, G>A. VCF-style: chr4-102613424-G-A. GRCh37 (hg19) VCF-style: chr4-103534581-G-A.
Other names: c.2593-1G>A (NM_001382626.1, NM_001382625.1); c.2590-1G>A (NM_001382627.1, NM_001165412.2, NM_001319226.2); c.2551-1G>A (NM_001382628.1).
Identifiers: ClinVar variation 4880613 (VCV004880613.2).

ClinVar aggregate classification (germline): Likely pathogenic (1 of 4 stars; one submission).

Submission:

Dasa
Classification: Likely pathogenic. Last evaluated: 2024-10-18. Review status: criteria provided, single submitter. Criteria: DASA Assertion Criteria. Collection method: clinical testing. Allele origin: germline.
Comment: NM_003998.4(NFKB1):c.2593-1G>A affects a canonical splice site and is predicted to disrupt normal RNA splicing. Loss of function is an established disease mechanism for NFKB1-associated disorders. Also, this variant is absent from population databases. Based on the currently available evidence, this variant is classified as likely pathogenic.